The following is an entry in ClinVar:

ClinVar aggregate classification (germline): Pathogenic/Likely pathogenic. Review status: criteria provided, multiple submitters, no conflicts (2 of 4 stars). 2 submissions from 2 submitters: Pathogenic (1); Likely pathogenic (1). Last evaluated 2024-12-31.

Conditions:
Propionic acidemia (PROP). Also called: GLYCINEMIA, KETOTIC; HYPERGLYCINEMIA WITH KETOACIDOSIS AND LEUKOPENIA; KETOTIC HYPERGLYCINEMIA. Identifiers: Orphanet 35, MedGen C0268579, MONDO:0011628, OMIM 606054, HP:0003571.

Submissions (2):

Natera, Inc.
Classification: Likely pathogenic for Propionic acidemia. Last evaluated: 2024-12-31. Review status: criteria provided, single submitter. Criteria: Natera Variant Classification Schema (03/2026). Collection method: clinical testing. Allele origin: germline.
Comment: The c.819_843delinsGATTACACGGG variant in PCCB is a frameshift variant predicted to shift the reading frame beginning at codon 273 and leads to a stop codon 13 codons downstream. This variant is expected to result in nonsense mediated decay, truncation, or a dysfunctional protein product. This variant is rare in the general population with a frequency below the threshold expected for the associated phenotype(s). Given the available evidence, this variant is classified as Likely Pathogenic.

Labcorp Genetics (formerly Invitae), Labcorp
Classification: Pathogenic for Propionic acidemia. Last evaluated: 2023-01-15. Review status: criteria provided, single submitter. Criteria: Invitae Variant Classification Sherloc (09022015). Collection method: clinical testing. Allele origin: germline.
Comment: This sequence change creates a premature translational stop signal (p.Asp273Glufs*13) in the PCCB gene. It is expected to result in an absent or disrupted protein product. Loss-of-function variants in PCCB are known to be pathogenic (PMID: 15464417). Information on the frequency of this variant in the gnomAD database is not available, as this variant may be reported differently in the database. This variant has not been reported in the literature in individuals affected with PCCB-related conditions. For these reasons, this variant has been classified as Pathogenic.

Literature cited by the submitters: PubMed 15464417 (cited by Labcorp Genetics (formerly Invitae), Labcorp).

NM_000532.5(PCCB):c.819_843delinsGATTACACGGG (p.Asp273fs)

Gene: PCCB (propionyl-CoA carboxylase subunit beta; plus strand). Cytogenetic location: 3q22.3.
Variant type: Indel.
Coding change: c.819_843delinsGATTACACGGG on transcript NM_000532.5 (MANE Select); coding-DNA positions 819 to 843, TTTCTTCAACTACCTGCCCCTGAGC replaced by GATTACACGGG.
Protein change: p.Asp273fs; shifts the reading frame from aspartic acid 273.
Molecular consequence: frameshift variant.
Genome position (GRCh38, 1-based): chr3:136,298,007-136,298,031, TTTCTTCAACTACCTGCCCCTGAGC replaced by GATTACACGGG. GRCh37 (hg19): chr3:136,016,849-136,016,873.
Other names: c.819_843delinsGATTACACGGG (NM_000532.4); c.879_903delinsGATTACACGGG, p.Asp293fs (NM_001178014.2); short protein forms D293fs, D273fs.
Identifiers: ClinVar variation 2104864 (VCV002104864.5), dbSNP rs2529877487, ClinGen allele CA2580068805.